The following is an entry in ClinVar:

ClinVar aggregate classification (germline): Uncertain significance. Review status: criteria provided, multiple submitters, no conflicts (2 of 4 stars). 2 submissions from 2 submitters: Uncertain significance (2). Last evaluated 2022-11-15.

Conditions:
Autosomal recessive limb-girdle muscular dystrophy type 2O. Also called: MUSCULAR DYSTROPHY-DYSTROGLYCANOPATHY (LIMB-GIRDLE), TYPE C, 3; MUSCULAR DYSTROPHY-DYSTROGLYCANOPATHY, LIMB-GIRDLE, POMGNT1-RELATED; Limb-Girdle Muscular Dystrophy Type 3C. Identifiers: Orphanet 206564, MedGen C3150417, MONDO:0013161, OMIM 613157.
Muscular dystrophy-dystroglycanopathy (congenital with impaired intellectual development), type B, 3. Also called: MUSCULAR DYSTROPHY, CONGENITAL, POMGNT1-RELATED; Muscular dystrophy-dystroglycanopathy (congenital with intellectual disability), type B3. Identifiers: MedGen C3150412, MONDO:0013155, OMIM 613151.

Allele frequency attached by ClinVar (database versions not stated): gnomAD exomes below 0.00001; ExAC 0.00001; TOPMed 0.00002; gnomAD 0.00003.
gnomAD v4.1: 5 of 1,614,020 alleles (0.00031%); highest among the groups gnomAD compares: African/African-American, 0.0053%; no homozygotes.

Submissions (2):

Blueprint Genetics
Classification: Uncertain significance. Last evaluated: 2022-11-15. Review status: criteria provided, single submitter. Criteria: ACMG Guidelines, 2015. Collection method: clinical testing. Allele origin: germline.

Labcorp Genetics (formerly Invitae), Labcorp
Classification: Uncertain significance for Autosomal recessive limb-girdle muscular dystrophy type 2O; Muscular dystrophy-dystroglycanopathy (congenital with impaired intellectual development), type B, 3. Last evaluated: 2021-08-26. Review status: criteria provided, single submitter. Criteria: Invitae Variant Classification Sherloc (09022015). Collection method: clinical testing. Allele origin: germline.
Comment: This sequence change replaces isoleucine with methionine at codon 410 of the POMGNT1 protein (p.Ile410Met). The isoleucine residue is highly conserved and there is a small physicochemical difference between isoleucine and methionine. This variant is present in population databases (rs756026992, ExAC 0.006%). This variant has not been reported in the literature in individuals affected with POMGNT1-related conditions. Algorithms developed to predict the effect of missense changes on protein structure and function are either unavailable or do not agree on the potential impact of this missense change (SIFT: "Deleterious"; PolyPhen-2: "Benign"; Align-GVGD: "Class C0"). In summary, the available evidence is currently insufficient to determine the role of this variant in disease. Therefore, it has been classified as a Variant of Uncertain Significance.

NM_017739.4(POMGNT1):c.1230C>G (p.Ile410Met)

Genes: POMGNT1 (protein O-linked mannose N-acetylglucosaminyltransferase 1 (beta 1,2-); minus strand), TSPAN1 (tetraspanin 1; plus strand). Cytogenetic location: 1p34.1.
Variant type: single nucleotide variant.
Coding change: c.1230C>G on transcript NM_017739.4 (MANE Select); coding-DNA position 1230, C replaced by G.
Protein change: p.Ile410Met; replaces isoleucine 410 with methionine.
Molecular consequence: missense variant.
Genome position (GRCh38, 1-based): chr1:46,192,572, G>C on the plus strand (C>G on the coding strand, the complement: POMGNT1 is on the minus strand). VCF-style: chr1-46192572-G-C. GRCh37 (hg19) VCF-style: chr1-46658244-G-C.
Other names: c.1230C>G, p.Ile410Met (NM_001243766.2, NM_001410783.1); c.1164C>G, p.Ile388Met (NM_001290129.3); c.801C>G, p.Ile267Met (NM_001290130.2); short protein forms I388M, I410M, I267M.
Identifiers: ClinVar variation 854021 (VCV000854021.5), dbSNP rs756026992, ClinGen allele CA833425.